The following is an entry in ClinVar:

ClinVar aggregate classification (germline): Uncertain significance (1 of 4 stars; one submission).

Conditions:
SETBP1-related disorder. Also called: SETBP1-related condition; SETBP1-related disorders.

gnomAD v4.1: 1 of 1,614,118 alleles (0.000062%); highest among the groups gnomAD compares: South Asian, 0.0011%; no homozygotes.

Submission:

PreventionGenetics, part of Exact Sciences
Classification: Uncertain significance for SETBP1-related condition. Last evaluated: 2023-08-20. Review status: criteria provided, single submitter. Criteria: ACMG Guidelines, 2015. Collection method: clinical testing. Allele origin: germline.
Comment: The SETBP1 c.614C>A variant is predicted to result in the amino acid substitution p.Thr205Asn. To our knowledge, this variant has not been reported in the literature. This variant is reported in 0.0033% of alleles in individuals of South Asian descent in gnomAD. At this time, the clinical significance of this variant is uncertain due to the absence of conclusive functional and genetic evidence.

NM_015559.3(SETBP1):c.614C>A (p.Thr205Asn)

Gene: SETBP1 (SET binding protein 1; plus strand). Cytogenetic location: 18q12.3.
Variant type: single nucleotide variant.
Coding change: c.614C>A on transcript NM_015559.3 (MANE Select); coding-DNA position 614, C replaced by A.
Protein change: p.Thr205Asn; replaces threonine 205 with asparagine.
Molecular consequence: missense variant.
Genome position (GRCh38, 1-based): chr18:44,949,954, C>A. VCF-style: chr18-44949954-C-A. GRCh37 (hg19) VCF-style: chr18-42529919-C-A.
Other names: c.614C>A, p.Thr205Asn (NM_001379141.1, NM_001379142.1, NM_001410862.1); short protein forms T205N.
Identifiers: ClinVar variation 2631466 (VCV002631466.1), dbSNP rs1198080771, ClinGen allele CA402316447.
Genomic context (GRCh38, chr18:44,949,954, plus strand): 5'-CCCAGAAACATTCAACTCTCCATTATGACACGGGCCTCCCACAGGACTTCACCGGTGACA[C>A]CTTAAAACCAAAGCACCAGCAAAAAAGCAGCAGCCAGAACCACATGGACTGGTCCACCAA-3'
Protein context (NP_056374.2, residues 195-215): TGLPQDFTGD[Thr205Asn]LKPKHQQKSS